The following is an entry in ClinVar:

NM_198525.3(KIF7):c.2393A>G (p.Gln798Arg)

Gene: KIF7 (kinesin family member 7; minus strand). Cytogenetic location: 15q26.1.
Variant type: single nucleotide variant.
Coding change: c.2393A>G on transcript NM_198525.3 (MANE Select); coding-DNA position 2393, A replaced by G.
Protein change: p.Gln798Arg; replaces glutamine 798 with arginine.
Molecular consequence: missense variant.
Genome position (GRCh38, 1-based): chr15:89,642,204, T>C on the plus strand (A>G on the coding strand, the complement: KIF7 is on the minus strand). VCF-style: chr15-89642204-T-C. GRCh37 (hg19) VCF-style: chr15-90185435-T-C.
Other names: c.2393A>G (NM_198525.2); short protein forms Q798R.
Identifiers: ClinVar variation 1364322 (VCV001364322.6), dbSNP rs201612675, ClinGen allele CA7728207.

ClinVar aggregate classification (germline): Uncertain significance. Review status: criteria provided, multiple submitters, no conflicts (2 of 4 stars). 3 submissions from 3 submitters: Uncertain significance (3). Last evaluated 2026-05-13.

Conditions:
Acrocallosal syndrome (ACLS). Also called: Schinzel syndrome 1; Absence of corpus callosum with unusual facial appearance, mental deficiency, duplication of the halluces and polydactyly; HALLUX DUPLICATION, POSTAXIAL POLYDACTYLY, AND ABSENCE OF CORPUS CALLOSUM. Identifiers: Orphanet 36, MedGen C0796147, MONDO:0008708, OMIM 200990.

Allele frequency attached by ClinVar (database versions not stated): ExAC 0.00003; gnomAD 0.00004; 1000 Genomes Project 0.00020; ESP Exome Variant Server 0.00008; 1000 Genomes Project 30x 0.00016; gnomAD exomes 0.00003 and 0.00008; TOPMed 0.00004.
gnomAD v4.1: 125 of 1,610,052 alleles (0.0078%); highest among the groups gnomAD compares: Non-Finnish European, 0.0097%; no homozygotes.

Submissions (3):

GeneDx
Classification: Uncertain significance. Last evaluated: 2026-05-13. Review status: criteria provided, single submitter. Criteria: GeneDx Variant Classification Process June 2021. Collection method: clinical testing. Allele origin: germline.
Comment: Not observed at significant frequency in large population cohorts (gnomAD); In silico analysis supports a deleterious effect on splicing; In silico analysis supports that this missense variant has a deleterious effect on protein structure/function; Has not been previously published as pathogenic or benign to our knowledge

Blueprint Genetics
Classification: Uncertain significance. Last evaluated: 2024-08-09. Review status: criteria provided, single submitter. Criteria: ACMG Guidelines, 2015. Collection method: clinical testing. Allele origin: germline.

Labcorp Genetics (formerly Invitae), Labcorp
Classification: Uncertain significance for Acrocallosal syndrome. Last evaluated: 2022-10-04. Review status: criteria provided, single submitter. Criteria: Invitae Variant Classification Sherloc (09022015). Collection method: clinical testing. Allele origin: germline.
Comment: This sequence change replaces glutamine, which is neutral and polar, with arginine, which is basic and polar, at codon 798 of the KIF7 protein (p.Gln798Arg). This variant is present in population databases (rs201612675, gnomAD 0.006%). This variant has not been reported in the literature in individuals affected with KIF7-related conditions. ClinVar contains an entry for this variant (Variation ID: 1364322). Algorithms developed to predict the effect of missense changes on protein structure and function are either unavailable or do not agree on the potential impact of this missense change (SIFT: "Deleterious"; PolyPhen-2: "Benign"; Align-GVGD: "Class C0"). Algorithms developed to predict the effect of sequence changes on RNA splicing suggest that this variant may create or strengthen a splice site. In summary, the available evidence is currently insufficient to determine the role of this variant in disease. Therefore, it has been classified as a Variant of Uncertain Significance.